The following is an entry in ClinVar:

ClinVar aggregate classification (germline): Uncertain significance (1 of 4 stars; one submission).

Submission:

Labcorp Genetics (formerly Invitae), Labcorp
Classification: Uncertain significance. Last evaluated: 2022-02-02. Review status: criteria provided, single submitter. Criteria: Invitae Variant Classification Sherloc (09022015). Collection method: clinical testing. Allele origin: germline.
Comment: This sequence change replaces methionine, which is neutral and non-polar, with arginine, which is basic and polar, at codon 142 of the GATAD2B protein (p.Met142Arg). This variant is not present in population databases (gnomAD no frequency). This variant has not been reported in the literature in individuals affected with GATAD2B-related conditions. Algorithms developed to predict the effect of missense changes on protein structure and function are either unavailable or do not agree on the potential impact of this missense change (SIFT: "Not Available"; PolyPhen-2: "Benign"; Align-GVGD: "Not Available"). In summary, the available evidence is currently insufficient to determine the role of this variant in disease. Therefore, it has been classified as a Variant of Uncertain Significance.

NM_020699.4(GATAD2B):c.425T>G (p.Met142Arg)

Gene: GATAD2B (GATA zinc finger domain containing 2B; minus strand). Cytogenetic location: 1q21.3.
Variant type: single nucleotide variant.
Coding change: c.425T>G on transcript NM_020699.4 (MANE Select); coding-DNA position 425, T replaced by G.
Protein change: p.Met142Arg; replaces methionine 142 with arginine.
Molecular consequence: missense variant.
Genome position (GRCh38, 1-based): chr1:153,819,646, A>C on the plus strand (T>G on the coding strand, the complement: GATAD2B is on the minus strand). VCF-style: chr1-153819646-A-C. GRCh37 (hg19) VCF-style: chr1-153792122-A-C.
Other names: short protein forms M142R.
Identifiers: ClinVar variation 1514044 (VCV001514044.8), dbSNP rs2101883090, ClinGen allele CA342535145.